The following is an entry in ClinVar:

NM_001039591.3(USP9X):c.986A>C (p.Lys329Thr)

Gene: USP9X (ubiquitin specific peptidase 9 X-linked; plus strand). Cytogenetic location: Xp11.4.
Variant type: single nucleotide variant.
Coding change: c.986A>C on transcript NM_001039591.3 (MANE Select); coding-DNA position 986, A replaced by C.
Protein change: p.Lys329Thr; replaces lysine 329 with threonine.
Molecular consequence: missense variant.
Genome position (GRCh38, 1-based): chrX:41,141,181, A>C. VCF-style: chrX-41141181-A-C. GRCh37 (hg19) VCF-style: chrX-41000434-A-C.
Other names: c.986A>C, p.Lys329Thr (NM_001039590.3); short protein forms K329T.
Identifiers: ClinVar variation 1028979 (VCV001028979.4), dbSNP rs1186136318, ClinGen allele CA412767617.
Genomic context (GRCh38, chrX:41,141,181, plus strand): 5'-TGATTATTAAATCTTTGAAGAATTTAGCTTCAAGGGTTCCAGGACAAGAAGAAACTGTTA[A>C]AAACTTAGAAATATTTAGGTTAAAAATGATACTTAGGTAAGATACTTACCTCTTGAAATA-3'
Protein context (NP_001034680.2, residues 319-339): SRVPGQEETV[Lys329Thr]NLEIFRLKMI

ClinVar aggregate classification (germline): Uncertain significance. Review status: criteria provided, multiple submitters, no conflicts (2 of 4 stars). 2 submissions from 2 submitters: Uncertain significance (2). Last evaluated 2021-10-05.

Conditions:
Inborn genetic diseases. Identifiers: MedGen C0950123, MeSH D030342.
Intellectual developmental disorder, X-linked 99. Also called: Intellectual disability, X-linked 99. Identifiers: Orphanet 777, MedGen C3806746, MONDO:0010487, OMIM 300919.

Allele frequency attached by ClinVar (database versions not stated): gnomAD 0.00001; TOPMed 0.00001.
gnomAD v4.1: 1 of 1,191,248 alleles (0.000084%); highest among the groups gnomAD compares: African/African-American, 0.0018%; no homozygotes.

Submissions (2):

Ambry Genetics
Classification: Uncertain significance for Inborn genetic diseases. Last evaluated: 2021-10-05. Review status: criteria provided, single submitter. Criteria: Ambry Variant Classification Scheme 2023. Collection method: clinical testing. Allele origin: germline.

Baylor Genetics
Classification: Uncertain significance for Intellectual developmental disorder, X-linked 99. Last evaluated: 2019-04-11. Review status: criteria provided, single submitter. Criteria: ACMG Guidelines, 2015. Collection method: clinical testing. Allele origin: unknown. Affected: yes.
Comment: This variant was determined to be of uncertain significance according to ACMG Guidelines, 2015 [PMID:25741868].